The following is an entry in ClinVar:

ClinVar aggregate classification (germline): Conflicting classifications of pathogenicity. Review status: criteria provided, conflicting classifications (1 of 4 stars). 4 submissions from 4 submitters: Uncertain significance (3); Likely benign (1). Last evaluated 2026-08-02.

Conditions:
Inborn genetic diseases. Identifiers: MedGen C0950123, MeSH D030342.
MBD4-related disorder. Also called: MBD4-related condition.

Allele frequency attached by ClinVar (database versions not stated): TOPMed below 0.00001; gnomAD exomes 0.00001.
gnomAD v4.1: 4 of 1,613,298 alleles (0.00025%); highest among the groups gnomAD compares: Admixed American, 0.0067%; no homozygotes.

Submissions (4):

PreventionGenetics, part of Exact Sciences
Classification: Uncertain significance for MBD4-related condition. Last evaluated: 2026-08-02. Review status: criteria provided, single submitter. Criteria: ACMG Guidelines, 2015. Collection method: clinical testing. Allele origin: germline.
Comment: The MBD4 c.136G>C variant is predicted to result in the amino acid substitution p.Val46Leu. To our knowledge, this variant has not been reported in the literature. It is reported in 0.0058% of alleles in individuals of Latino descent in gnomAD and has conflicting interpretations in ClinVar ranging from uncertain to likely benign (Variation ID: 2703626). At this time, the clinical significance of this variant is uncertain due to the absence of conclusive functional and genetic evidence.

Labcorp Genetics (formerly Invitae), Labcorp
Classification: Uncertain significance. Last evaluated: 2026-01-19. Review status: criteria provided, single submitter. Criteria: Invitae Variant Classification Sherloc (09022015). Collection method: clinical testing. Allele origin: germline.
Comment: This sequence change replaces valine, which is neutral and non-polar, with leucine, which is neutral and non-polar, at codon 46 of the MBD4 protein (p.Val46Leu). This variant is present in population databases (no rsID available, gnomAD 0.006%). This variant has not been reported in the literature in individuals affected with MBD4-related conditions. ClinVar contains an entry for this variant (Variation ID: 2703626). An algorithm developed to predict the effect of missense changes on protein structure and function (PolyPhen-2) suggests that this variant is likely to be tolerated. In summary, the available evidence is currently insufficient to determine the role of this variant in disease. Therefore, it has been classified as a Variant of Uncertain Significance.

GeneDx
Classification: Uncertain significance. Last evaluated: 2025-06-06. Review status: criteria provided, single submitter. Criteria: GeneDx Variant Classification Process June 2021. Collection method: clinical testing. Allele origin: germline. Affected: yes.
Comment: In silico analysis suggests that this missense variant does not alter protein structure/function; Has not been previously published as pathogenic or benign to our knowledge

Ambry Genetics
Classification: Likely benign for Inborn genetic diseases. Last evaluated: 2025-04-21. Review status: criteria provided, single submitter. Criteria: Ambry Variant Classification Scheme 2023. Collection method: clinical testing. Allele origin: germline.

NM_001276270.2(MBD4):c.136G>C (p.Val46Leu)

Gene: MBD4 (methyl-CpG binding domain 4, DNA glycosylase; minus strand). Cytogenetic location: 3q21.3.
Variant type: single nucleotide variant.
Coding change: c.136G>C on transcript NM_001276270.2 (MANE Select); coding-DNA position 136, G replaced by C.
Protein change: p.Val46Leu; replaces valine 46 with leucine.
Molecular consequence: missense variant.
Genome position (GRCh38, 1-based): chr3:129,437,919, C>G on the plus strand (G>C on the coding strand, the complement: MBD4 is on the minus strand). VCF-style: chr3-129437919-C-G. GRCh37 (hg19) VCF-style: chr3-129156762-C-G.
Other names: c.136G>C (NM_003925.2); c.136G>C, p.Val46Leu (NM_001276271.2, NM_001276272.2, NM_001276273.2 and 1 more transcripts); short protein forms V46L.
Identifiers: ClinVar variation 2703626 (VCV002703626.7), dbSNP rs200883484, ClinGen allele CA354468721.